The following is an entry in ClinVar:

ClinVar aggregate classification (germline): Uncertain significance. Review status: criteria provided, multiple submitters, no conflicts (2 of 4 stars). 5 submissions from 5 submitters: Uncertain significance (5). Last evaluated 2025-11-08.

Conditions:
Cardiomyopathy (CMYO). Also called: Cardiomyopathies. Identifiers: Orphanet 167848, MedGen C0878544, MONDO:0004994, HP:0001638. Inheritance: Various modes of inheritance.
Hypertrophic cardiomyopathy. Also called: HYPERTROPHIC MYOCARDIOPATHY. Identifiers: Orphanet 217569, MedGen C0007194, MeSH D002312, MONDO:0005045, HP:0001639.
Cardiovascular phenotype. Identifiers: MedGen CN230736.

Allele frequency attached by ClinVar (database versions not stated): gnomAD exomes below 0.00001; ExAC 0.00001; gnomAD 0.00001; TOPMed 0.00002.
gnomAD v4.1: 3 of 1,614,068 alleles (0.00019%); highest among the groups gnomAD compares: African/African-American, 0.004%; no homozygotes.

Submissions (5):

Labcorp Genetics (formerly Invitae), Labcorp
Classification: Uncertain significance for Hypertrophic cardiomyopathy. Last evaluated: 2025-11-08. Review status: criteria provided, single submitter. Criteria: Invitae Variant Classification Sherloc (09022015). Collection method: clinical testing. Allele origin: germline.
Comment: This sequence change replaces glycine, which is neutral and non-polar, with serine, which is neutral and polar, at codon 1807 of the MYH7 protein (p.Gly1807Ser). This variant is present in population databases (rs745729408, gnomAD 0.007%). This variant has not been reported in the literature in individuals affected with MYH7-related conditions. ClinVar contains an entry for this variant (Variation ID: 1206609). Invitae Evidence Modeling of protein sequence and biophysical properties (such as structural, functional, and spatial information, amino acid conservation, physicochemical variation, residue mobility, and thermodynamic stability) indicates that this missense variant is expected to disrupt MYH7 protein function with a positive predictive value of 95%. In summary, the available evidence is currently insufficient to determine the role of this variant in disease. Therefore, it has been classified as a Variant of Uncertain Significance.

Color Diagnostics, LLC DBA Color Health
Classification: Uncertain significance for Cardiomyopathy. Last evaluated: 2025-07-03. Review status: criteria provided, single submitter. Criteria: ACMG Guidelines, 2015. Collection method: clinical testing. Allele origin: germline.
Comment: This missense variant replaces glycine with serine at codon 1807 of the MYH7 protein. Computational prediction is inconclusive regarding the impact of this variant on protein structure and function. To our knowledge, functional studies have not been reported for this variant. This variant has not been reported in individuals affected with MYH7-related disorders in the literature. This variant has been identified in 1/251480 chromosomes in the general population by the Genome Aggregation Database (gnomAD). The available evidence is insufficient to determine the role of this variant in disease conclusively. Therefore, this variant is classified as a Variant of Uncertain Significance.

Ambry Genetics
Classification: Uncertain significance for Cardiovascular phenotype. Last evaluated: 2023-10-23. Review status: criteria provided, single submitter. Criteria: Ambry Variant Classification Scheme 2023. Collection method: clinical testing. Allele origin: germline.
Comment: The p.G1807S variant (also known as c.5419G>A), located in coding exon 35 of the MYH7 gene, results from a G to A substitution at nucleotide position 5419. The glycine at codon 1807 is replaced by serine, an amino acid with similar properties. This variant has been reported in the Jackson Heart Study cohort; however, clinical details were limited (Bick AG et al. Am J Hum Genet, 2012 Sep;91:513-9). This alteration has also been reported in a hypertrophic cardiomyopathy (HCM) cohort and a biobank cohort (Homburger JR et al. Proc Natl Acad Sci U S A, 2016 Jun;113:6701-6; Park J et al. Hum Mol Genet, 2022 Mar;31:827-837). This amino acid position is highly conserved in available vertebrate species. In addition, the in silico prediction for this alteration is inconclusive. Since supporting evidence is limited at this time, the clinical significance of this alteration remains unclear. This variant has been reported in the Framingham Heart Study/Jackson Heart Study cohort; however, clinical details were limited (Bick AG et al. Am J Hum Genet, 2012 Sep;91:513-9). (Homburger JR et al. Proc Natl Acad Sci U S A, 2016 Jun;113:6701-6). (Park J et al. Hum Mol Genet, 2022 Mar;31:827-837).

GeneDx
Classification: Uncertain significance. Last evaluated: 2019-08-07. Review status: criteria provided, single submitter. Criteria: GeneDx Variant Classification Process June 2021. Collection method: clinical testing. Allele origin: germline. Affected: yes.
Comment: Has not been previously published as pathogenic or benign to our knowledge; Not observed at a significant frequency in large population cohorts (Lek et al., 2016); In silico analysis, which includes protein predictors and evolutionary conservation, supports a deleterious effect

Revvity Omics, Revvity
Classification: Uncertain significance. Last evaluated: 2019-01-09. Review status: criteria provided, single submitter. Criteria: ACMG Guidelines, 2015. Collection method: clinical testing. Allele origin: germline.

Literature cited by the submitters: PubMed 22958901 (cited by Ambry Genetics); PubMed 27247418 (cited by Ambry Genetics); PubMed 34542152 (cited by Ambry Genetics).

NM_000257.4(MYH7):c.5419G>A (p.Gly1807Ser)

Gene: MYH7 (myosin heavy chain 7; minus strand). Cytogenetic location: 14q11.2.
Variant type: single nucleotide variant.
Coding change: c.5419G>A on transcript NM_000257.4 (MANE Select); coding-DNA position 5419, G replaced by A.
Protein change: p.Gly1807Ser; replaces glycine 1807 with serine.
Molecular consequence: missense variant.
Genome position (GRCh38, 1-based): chr14:23,415,135, C>T on the plus strand (G>A on the coding strand, the complement: MYH7 is on the minus strand). VCF-style: chr14-23415135-C-T. GRCh37 (hg19) VCF-style: chr14-23884344-C-T.
Other names: short protein forms G1807S.
Identifiers: ClinVar variation 1206609 (VCV001206609.13), dbSNP rs745729408, ClinGen allele CA046717.